The following is an entry in ClinVar:

ClinVar aggregate classification (germline): Uncertain significance (1 of 4 stars; one submission).

Allele frequency attached by ClinVar (database versions not stated): gnomAD exomes below 0.00001 and 0.00001; ExAC 0.00001; gnomAD 0.00001; TOPMed 0.00001.
gnomAD v4.1: 6 of 1,606,148 alleles (0.00037%); highest among the groups gnomAD compares: South Asian, 0.0022%; no homozygotes.

Submission:

Labcorp Genetics (formerly Invitae), Labcorp
Classification: Uncertain significance. Last evaluated: 2021-11-02. Review status: criteria provided, single submitter. Criteria: Invitae Variant Classification Sherloc (09022015). Collection method: clinical testing. Allele origin: germline.
Comment: This sequence change replaces aspartic acid, which is acidic and polar, with asparagine, which is neutral and polar, at codon 600 of the SLCO2A1 protein (p.Asp600Asn). This variant is present in population databases (rs762008407, gnomAD 0.003%). This variant has not been reported in the literature in individuals affected with SLCO2A1-related conditions. Algorithms developed to predict the effect of missense changes on protein structure and function output the following: SIFT: "Tolerated"; PolyPhen-2: "Benign"; Align-GVGD: "Class C0". The asparagine amino acid residue is found in multiple mammalian species, which suggests that this missense change does not adversely affect protein function. In summary, the available evidence is currently insufficient to determine the role of this variant in disease. Therefore, it has been classified as a Variant of Uncertain Significance.

NM_005630.3(SLCO2A1):c.1798G>A (p.Asp600Asn)

Gene: SLCO2A1 (solute carrier organic anion transporter family member 2A1; minus strand). Cytogenetic location: 3q22.1.
Variant type: single nucleotide variant.
Coding change: c.1798G>A on transcript NM_005630.3 (MANE Select); coding-DNA position 1798, G replaced by A.
Protein change: p.Asp600Asn; replaces aspartic acid 600 with asparagine.
Molecular consequence: missense variant.
Genome position (GRCh38, 1-based): chr3:133,935,790, C>T on the plus strand (G>A on the coding strand, the complement: SLCO2A1 is on the minus strand). VCF-style: chr3-133935790-C-T. GRCh37 (hg19) VCF-style: chr3-133654634-C-T.
Other names: short protein forms D600N.
Identifiers: ClinVar variation 1423437 (VCV001423437.3), dbSNP rs762008407, ClinGen allele CA2626316.